The following is an entry in ClinVar:

NM_005677.4(COLQ):c.769T>G (p.Ser257Ala)

Gene: COLQ (collagen like tail subunit of asymmetric acetylcholinesterase; minus strand). Cytogenetic location: 3p25.1.
Variant type: single nucleotide variant.
Coding change: c.769T>G on transcript NM_005677.4 (MANE Select); coding-DNA position 769, T replaced by G.
Protein change: p.Ser257Ala; replaces serine 257 with alanine.
Molecular consequence: missense variant.
Genome position (GRCh38, 1-based): chr3:15,466,386, A>C on the plus strand (T>G on the coding strand, the complement: COLQ is on the minus strand). VCF-style: chr3-15466386-A-C. GRCh37 (hg19) VCF-style: chr3-15507893-A-C.
Other names: c.739T>G, p.Ser247Ala (NM_080538.2); c.667T>G, p.Ser223Ala (NM_080539.4); short protein forms S223A, S257A, S247A.
Identifiers: ClinVar variation 645303 (VCV000645303.8), dbSNP rs754017581, ClinGen allele CA2275976.

ClinVar aggregate classification (germline): Uncertain significance (1 of 4 stars; one submission).

Conditions:
Congenital myasthenic syndrome 5. Identifiers: Orphanet 590, MedGen C1864233, MONDO:0011281, OMIM 603034.

Allele frequency attached by ClinVar (database versions not stated): gnomAD exomes 0.00001 and 0.00002; ExAC 0.00002.
gnomAD v4.1: 8 of 1,614,136 alleles (0.0005%); highest among the groups gnomAD compares: South Asian, 0.0088%; no homozygotes.

Submission:

Labcorp Genetics (formerly Invitae), Labcorp
Classification: Uncertain significance for Congenital myasthenic syndrome 5. Last evaluated: 2024-09-22. Review status: criteria provided, single submitter. Criteria: Invitae Variant Classification Sherloc (09022015). Collection method: clinical testing. Allele origin: germline.
Comment: This sequence change replaces serine, which is neutral and polar, with alanine, which is neutral and non-polar, at codon 257 of the COLQ protein (p.Ser257Ala). This variant is present in population databases (rs754017581, gnomAD 0.01%). This variant has not been reported in the literature in individuals affected with COLQ-related conditions. ClinVar contains an entry for this variant (Variation ID: 645303). Invitae Evidence Modeling of protein sequence and biophysical properties (such as structural, functional, and spatial information, amino acid conservation, physicochemical variation, residue mobility, and thermodynamic stability) indicates that this missense variant is not expected to disrupt COLQ protein function with a negative predictive value of 80%. In summary, the available evidence is currently insufficient to determine the role of this variant in disease. Therefore, it has been classified as a Variant of Uncertain Significance.